The following is an entry in ClinVar:

NM_003906.5(MCM3AP):c.2183G>A (p.Arg728His)

Gene: MCM3AP (minichromosome maintenance complex component 3 associated protein; minus strand). Cytogenetic location: 21q22.3.
Variant type: single nucleotide variant.
Coding change: c.2183G>A on transcript NM_003906.5 (MANE Select); coding-DNA position 2183, G replaced by A.
Protein change: p.Arg728His; replaces arginine 728 with histidine.
Molecular consequence: missense variant.
Genome position (GRCh38, 1-based): chr21:46,273,401, C>T on the plus strand (G>A on the coding strand, the complement: MCM3AP is on the minus strand). VCF-style: chr21-46273401-C-T. GRCh37 (hg19) VCF-style: chr21-47693315-C-T.
Other names: c.2183G>A (NM_003906.3); short protein forms R728H.
Identifiers: ClinVar variation 1506411 (VCV001506411.6), dbSNP rs1181643985, ClinGen allele CA410524945.

ClinVar aggregate classification (germline): Uncertain significance. Review status: criteria provided, multiple submitters, no conflicts (2 of 4 stars). 2 submissions from 2 submitters: Uncertain significance (2). Last evaluated 2024-01-16.

Conditions:
Inborn genetic diseases. Identifiers: MedGen C0950123, MeSH D030342.

Allele frequency attached by ClinVar (database versions not stated): gnomAD exomes below 0.00001 and 0.00002; gnomAD 0.00001; TOPMed 0.00001.
gnomAD v4.1: 37 of 1,613,778 alleles (0.0023%); highest among the groups gnomAD compares: Non-Finnish European, 0.0031%; no homozygotes.

Submissions (2):

Ambry Genetics
Classification: Uncertain significance for Inborn genetic diseases. Last evaluated: 2024-01-16. Review status: criteria provided, single submitter. Criteria: Ambry Variant Classification Scheme 2023. Collection method: clinical testing. Allele origin: germline.

Labcorp Genetics (formerly Invitae), Labcorp
Classification: Uncertain significance. Last evaluated: 2022-02-10. Review status: criteria provided, single submitter. Criteria: Invitae Variant Classification Sherloc (09022015). Collection method: clinical testing. Allele origin: germline.
Comment: This sequence change replaces arginine, which is basic and polar, with histidine, which is basic and polar, at codon 728 of the MCM3AP protein (p.Arg728His). This variant is present in population databases (no rsID available, gnomAD 0.0009%). This variant has not been reported in the literature in individuals affected with MCM3AP-related conditions. Algorithms developed to predict the effect of missense changes on protein structure and function (SIFT, PolyPhen-2, Align-GVGD) all suggest that this variant is likely to be disruptive. In summary, the available evidence is currently insufficient to determine the role of this variant in disease. Therefore, it has been classified as a Variant of Uncertain Significance.